The following is an entry in ClinVar:

NM_002055.5(GFAP):c.394G>A (p.Ala132Thr)

Gene: GFAP (glial fibrillary acidic protein; minus strand). Cytogenetic location: 17q21.31.
Variant type: single nucleotide variant.
Coding change: c.394G>A on transcript NM_002055.5 (MANE Select); coding-DNA position 394, G replaced by A.
Protein change: p.Ala132Thr; replaces alanine 132 with threonine.
Molecular consequence: missense variant.
Genome position (GRCh38, 1-based): chr17:44,915,093, C>T on the plus strand (G>A on the coding strand, the complement: GFAP is on the minus strand). VCF-style: chr17-44915093-C-T. GRCh37 (hg19) VCF-style: chr17-42992461-C-T.
Other names: c.394G>A, p.Ala132Thr (NM_001131019.3, NM_001242376.3, NM_001363846.2); short protein forms A132T.
Identifiers: ClinVar variation 2158177 (VCV002158177.5), dbSNP rs376110896, ClinGen allele CA8609043.

ClinVar aggregate classification (germline): Conflicting classifications of pathogenicity. Review status: criteria provided, conflicting classifications (1 of 4 stars). 2 submissions from 2 submitters: Uncertain significance (1); Likely benign (1). Last evaluated 2024-08-28.

Allele frequency attached by ClinVar (database versions not stated): gnomAD 0.00001; TOPMed 0.00002; gnomAD exomes 0.00003; ExAC 0.00006; ESP Exome Variant Server 0.00008.
gnomAD v4.1: 57 of 1,613,496 alleles (0.0035%); highest among the groups gnomAD compares: Middle Eastern, 0.05%; no homozygotes.

Submissions (2):

Blueprint Genetics
Classification: Likely benign. Last evaluated: 2024-08-28. Review status: criteria provided, single submitter. Criteria: ACMG Guidelines, 2015. Collection method: clinical testing. Allele origin: germline.

Labcorp Genetics (formerly Invitae), Labcorp
Classification: Uncertain significance. Last evaluated: 2024-01-12. Review status: criteria provided, single submitter. Criteria: Invitae Variant Classification Sherloc (09022015). Collection method: clinical testing. Allele origin: germline.
Comment: This sequence change replaces alanine, which is neutral and non-polar, with threonine, which is neutral and polar, at codon 132 of the GFAP protein (p.Ala132Thr). This variant is present in population databases (rs376110896, gnomAD 0.02%). This variant has not been reported in the literature in individuals affected with GFAP-related conditions. ClinVar contains an entry for this variant (Variation ID: 2158177). Algorithms developed to predict the effect of missense changes on protein structure and function output the following: SIFT: "Not Available"; PolyPhen-2: "Benign"; Align-GVGD: "Not Available". The threonine amino acid residue is found in multiple mammalian species, which suggests that this missense change does not adversely affect protein function. In summary, the available evidence is currently insufficient to determine the role of this variant in disease. Therefore, it has been classified as a Variant of Uncertain Significance.